The following is an entry in ClinVar:

ClinVar aggregate classification (germline): Uncertain significance. Review status: criteria provided, multiple submitters, no conflicts (2 of 4 stars). 2 submissions from 2 submitters: Uncertain significance (2). Last evaluated 2023-06-06.

Conditions:
Nephronophthisis 14 (NPHP14). Identifiers: Orphanet 2318, MedGen C3539071, MONDO:0013916, OMIM 614844.

Submissions (2):

Ambry Genetics
Classification: Uncertain significance. Last evaluated: 2023-06-06. Review status: criteria provided, single submitter. Criteria: Ambry Variant Classification Scheme 2023. Collection method: clinical testing. Allele origin: germline.

Labcorp Genetics (formerly Invitae), Labcorp
Classification: Uncertain significance for Nephronophthisis 14. Last evaluated: 2021-04-05. Review status: criteria provided, single submitter. Criteria: Invitae Variant Classification Sherloc (09022015). Collection method: clinical testing. Allele origin: germline.
Comment: Algorithms developed to predict the effect of missense changes on protein structure and function are either unavailable or do not agree on the potential impact of this missense change (SIFT: "Tolerated"; PolyPhen-2: "Probably Damaging"; Align-GVGD: "Class C0"). This variant has not been reported in the literature in individuals with ZNF423-related conditions. This variant is not present in population databases (ExAC no frequency). This sequence change replaces proline with serine at codon 437 of the ZNF423 protein (p.Pro437Ser). The proline residue is highly conserved and there is a moderate physicochemical difference between proline and serine. In summary, the available evidence is currently insufficient to determine the role of this variant in disease. Therefore, it has been classified as a Variant of Uncertain Significance.

NM_001379286.1(ZNF423):c.1333C>T (p.Pro445Ser)

Gene: ZNF423 (zinc finger protein 423; minus strand). Cytogenetic location: 16q12.1.
Variant type: single nucleotide variant.
Coding change: c.1333C>T on transcript NM_001379286.1 (MANE Select); coding-DNA position 1333, C replaced by T.
Protein change: p.Pro445Ser; replaces proline 445 with serine.
Molecular consequence: missense variant.
Genome position (GRCh38, 1-based): chr16:49,637,843, G>A on the plus strand (C>T on the coding strand, the complement: ZNF423 is on the minus strand). VCF-style: chr16-49637843-G-A. GRCh37 (hg19) VCF-style: chr16-49671754-G-A.
Other names: c.1309C>T (NM_015069.2); c.1129C>T, p.Pro377Ser (NM_001271620.2); c.958C>T, p.Pro320Ser (NM_001330533.2); c.1309C>T, p.Pro437Ser (NM_015069.5); short protein forms P445S, P320S, P377S, P437S.
Identifiers: ClinVar variation 1523499 (VCV001523499.9), dbSNP rs2151885640, ClinGen allele CA395849830.